The following continues an entry in ClinVar:

NM_000051.4(ATM):c.7187C>G (p.Thr2396Ser)

ClinVar aggregate classification (germline): Conflicting classifications of pathogenicity. Uncertain significance (12); Benign (2); Likely benign (9).

Submissions 15 to 23 of 23:

Sema4
Classification: Uncertain significance for Hereditary cancer-predisposing syndrome. Last evaluated: 2021-11-01. Review status: criteria provided, single submitter. Criteria: Sema4 Curation Guidelines. Collection method: curation. Allele origin: germline.
Comment: The ATM c.7187C>G (p.T2396S) variant has been reported in individuals with breast and/or ovarian cancer (PMID: 29522266, 27913932, 20305132, 19404735, 19781682, 18384426, 31159747, 33471991, 28779002, 32756499), cutaneous malignant melanoma (PMID: 29036293), chronic lymphocytic leukemia (PMID: 28652578), endometrial cancer (PMID: 27443514), and colorectal cancer (PMID: 25980754, 28135145, 33630411). In one patient with colorectal cancer, this variant co-occurred with a pathogenic variant in MSH6 (PMID: 33630411). However, this variant has also been observed in controls (PMID: 28652578, 19781682, 18384426, 33471991, 28779002). This variant was observed in 16/35432 chromosomes in the Latino (AMR) population, with no homozygotes, according to the Genome Aggregation Database (PMID: 32461654). This variant has been reported in ClinVar (Variation ID: 127438). In silico tools suggest the impact of the variant on protein function is benign, though these predictions have not been confirmed by functional studies. Based on the current evidence available, this variant is interpreted as a variant of uncertain significance.

Department of Pathology and Laboratory Medicine, Sinai Health System
Classification: Likely benign for Familial cancer of breast. Last evaluated: 2021-09-28. Review status: criteria provided, single submitter. Criteria: ACMG Guidelines, 2015. Collection method: clinical testing. Allele origin: germline. Affected: yes.

Women's Health and Genetics/Laboratory Corporation of America, LabCorp
Classification: Benign. Last evaluated: 2021-07-03. Review status: criteria provided, single submitter. Criteria: LabCorp Variant Classification Summary - May 2015. Collection method: clinical testing. Allele origin: germline.
Comment: Variant summary: ATM c.7187C>G (p.Thr2396Ser) results in a conservative amino acid change located in the FAT domain (IPR003151) of the encoded protein sequence. Five of five in-silico tools predict a benign effect of the variant on protein function. The variant allele was found at a frequency of 0.00021 in 256616 control chromosomes. This frequency is not significantly higher than expected for a pathogenic variant in ATM causing Breast Cancer (0.00021 vs 0.001), allowing no conclusion about variant significance. In addition, the variant was also reported in 3/7325 European American women (i.e. with a frequency of 0.00041), who were older than 70 years of age, and never had cancer (in the FLOSSIES database). c.7187C>G has been reported in the literature as a VUS in settings of multigene cancer panel testing in individuals affected with a variety of cancers (example, breast, ovarian, melanoma, CLL, Lynch syndrome) with limited information (e.g. Paglia 2010, Tung_2015, Tavera-Tapia 2017, Goldstein 2017, Tiao 2017, Hauke 2018, Bonache_2018, Tsaousis_2019, Ferrer-Avargues_2021). These report(s) do not provide unequivocal conclusions about association of the variant with Breast Cancer or Ataxia Telangiectasia. At-least two co-occurrences with other pathogenic variant(s) have been reported in the literature as we all as observed at our laboratory (our lab, BRCA1 c.3400G>T, p.Glu1134* ; Ferrer-Avargues_2021, MSH6 c.2079dup, p.Cys694MetfsTer), providing supporting evidence for a benign role. To our knowledge, no concrete experimental evidence demonstrating an impact on protein function has been reported. Ten clinical diagnostic laboratories have submitted clinical-significance assessments for this variant to ClinVar after 2014 without evidence for independent evaluation. Multiple laboratories reported the variant with conflicting assessments (benign, n=1; likely benign, n=2, VUS, n=7). At-least one of these submitters has re-classified this variant to likely benign since its previous evaluation. Some submitters cite overlapping evidence utilized in the context of this evaluation. Based on the evidence outlined above, the variant was classified as benign.

GeneDx
Classification: Likely benign. Last evaluated: 2021-02-04. Review status: criteria provided, single submitter. Criteria: GeneDx Variant Classification Process June 2021. Collection method: clinical testing. Allele origin: germline. Affected: yes.
Comment: In silico analysis supports that this missense variant does not alter protein structure/function; This variant is associated with the following publications: (PMID: 9288106, 19781682, 29036293, 11054065, 25980754, 22529920, 19404735, 18384426, 21787400, 20826828, 10026998, 26787654, 28779002, 27443514, 20305132, 25186627, 28135145, 31159747, 29522266)

GeneKor MSA
Classification: Uncertain significance for Hereditary cancer-predisposing syndrome. Last evaluated: 2018-08-01. Review status: criteria provided, single submitter. Criteria: ACMG Guidelines, 2015. Collection method: clinical testing. Allele origin: germline. Affected: yes.

Ambry Genetics
Classification: Likely benign for Hereditary cancer-predisposing syndrome. Last evaluated: 2018-05-14. Review status: criteria provided, single submitter. Criteria: Ambry Variant Classification Scheme 2023. Collection method: clinical testing. Allele origin: germline.

Eurofins Ntd Llc (ga)
Classification: Uncertain significance. Last evaluated: 2018-05-14. Review status: criteria provided, single submitter. Criteria: EGL ClinVar v180209 classification definitions. Collection method: clinical testing. Allele origin: germline. Observed: 1 variant allele, 1 heterozygote.

Illumina Laboratory Services, Illumina
Classification: Uncertain significance for Ataxia-telangiectasia syndrome. Last evaluated: 2017-04-27. Review status: criteria provided, single submitter. Criteria: ICSL Variant Classification Criteria 13 December 2019. Collection method: clinical testing. Allele origin: germline.
Comment: This variant was observed as part of a predisposition screen in an ostensibly healthy population. A literature search was performed for the gene, cDNA change, and amino acid change (where applicable). Publications were found based on this search. However, the evidence from the literature, in combination with allele frequency data from public databases where available, was not sufficient to rule this variant in or out of causing disease. Therefore, this variant is classified as a variant of unknown significance.

Color Diagnostics, LLC DBA Color Health
Classification: Likely benign for Hereditary cancer-predisposing syndrome. Last evaluated: 2016-03-30. Review status: criteria provided, single submitter. Criteria: ACMG Guidelines, 2015. Collection method: clinical testing. Allele origin: germline.

Literature cited by the submitters: PubMed 19404735 (cited by 6 submitters); PubMed 19781682 (cited by 6 submitters); PubMed 28135145 (cited by Mayo Clinic Laboratories, Mayo Clinic and Sema4); PubMed 29036293 (cited by 3 submitters); PubMed 31159747 (cited by 3 submitters); PubMed 32756499 (cited by Mayo Clinic Laboratories, Mayo Clinic and Sema4); PubMed 33630411 (cited by 4 submitters); PubMed 9288106 (cited by Mayo Clinic Laboratories, Mayo Clinic and Women's Health and Genetics/Laboratory Corporation of America, LabCorp); PubMed 25085752 (cited by Myriad Genetics, Inc.); PubMed 29522266 (cited by Sema4 and Women's Health and Genetics/Laboratory Corporation of America, LabCorp); PubMed 27913932 (cited by Sema4 and Women's Health and Genetics/Laboratory Corporation of America, LabCorp); PubMed 20305132 (cited by Sema4 and Women's Health and Genetics/Laboratory Corporation of America, LabCorp); PubMed 18384426 (cited by 5 submitters); PubMed 33471991 (cited by Sema4 and Department of Pathology and Laboratory Medicine, Sinai Health System); PubMed 28779002 (cited by Sema4 and Department of Pathology and Laboratory Medicine, Sinai Health System); PubMed 28652578 (cited by 3 submitters); PubMed 27443514 (cited by Sema4 and Women's Health and Genetics/Laboratory Corporation of America, LabCorp); PubMed 25980754 (cited by 4 submitters); PubMed 25186627 (cited by Department of Pathology and Laboratory Medicine, Sinai Health System and Women's Health and Genetics/Laboratory Corporation of America, LabCorp); PubMed 30306255 (cited by Department of Pathology and Laboratory Medicine, Sinai Health System and Women's Health and Genetics/Laboratory Corporation of America, LabCorp); PubMed 21787400 (cited by Women's Health and Genetics/Laboratory Corporation of America, LabCorp); PubMed 26787654 (cited by Women's Health and Genetics/Laboratory Corporation of America, LabCorp); PubMed 11054065 (cited by Women's Health and Genetics/Laboratory Corporation of America, LabCorp and Illumina Laboratory Services, Illumina); PubMed 26837699 (cited by Women's Health and Genetics/Laboratory Corporation of America, LabCorp); PubMed 22529920 (cited by Illumina Laboratory Services, Illumina).